The following is an entry in ClinVar:

ClinVar aggregate classification (germline): Pathogenic (1 of 4 stars; one submission).

Conditions:
Familial adenomatous polyposis 1 (FAP1). Also called: POLYPOSIS, ADENOMATOUS INTESTINAL; FAMILIAL ADENOMATOUS POLYPOSIS 1, ATTENUATED. Identifiers: MedGen C2713442, MONDO:0021056, OMIM 175100. Disease mechanism: loss of function.

Submission:

Labcorp Genetics (formerly Invitae), Labcorp
Classification: Pathogenic for Familial adenomatous polyposis 1. Last evaluated: 2017-04-15. Review status: criteria provided, single submitter. Criteria: Invitae Variant Classification Sherloc (09022015). Collection method: clinical testing. Allele origin: germline.
Comment: Loss-of-function variants in APC are known to be pathogenic (PMID: 20685668, 17963004). This particular variant has been reported in the literature in an individual affected with familial adenomatous polyposis (PMID: 21779980). A different truncation downstream of this variant (p.Asn1979Thrfs*64) has been determined to be pathogenic (PMID: 20434453, 9824584, 26681312). This suggests that deletion of this region of the APC protein is causative of disease. For these reasons, this variant has been classified as Pathogenic. This sequence change inserts 2 nucleotides in exon 16 of the APC mRNA (c.5827_5828insAA), causing a frameshift at codon 1943. This creates a premature translational stop signal in the last exon of the APC mRNA (p.Arg1943Lysfs*28). While this is not anticipated to result in nonsense mediated decay, it is expected to delete the last 873 amino acids of the APC protein, which accounts for 31% of the full length protein.

Literature cited by the submitters: PubMed 20685668; PubMed 17963004; PubMed 21779980; PubMed 20434453; PubMed 9824584; PubMed 26681312.

NM_000038.6(APC):c.5827_5828insAA (p.Arg1943fs)

Gene: APC (APC regulator of Wnt signaling pathway; plus strand). Cytogenetic location: 5q22.2.
Variant type: Insertion.
Coding change: c.5827_5828insAA on transcript NM_000038.6 (MANE Select); coding-DNA positions 5827 to 5828, AA inserted.
Protein change: p.Arg1943fs; shifts the reading frame from arginine 1943.
Molecular consequence: frameshift variant.
Genome position: GRCh38 VCF-style: chr5-112841420-C-CAA. GRCh37 (hg19) VCF-style: chr5-112177117-C-CAA.
Other names: c.5827_5828insAA, p.Arg1943fs (NM_001127510.3, NM_001354895.2); c.5773_5774insAA, p.Arg1925fs (NM_001127511.3); c.5881_5882insAA, p.Arg1961fs (NM_001354896.2); c.5857_5858insAA, p.Arg1953fs (NM_001354897.2); c.5752_5753insAA, p.Arg1918fs (NM_001354898.2); c.5743_5744insAA, p.Arg1915fs (NM_001354899.2); c.5704_5705insAA, p.Arg1902fs (NM_001354900.2); c.5650_5651insAA, p.Arg1884fs (NM_001354901.2); and 5 more; short protein forms R1783fs, R1817fs, R1842fs, R1852fs, R1902fs, R1915fs, R1925fs, R1953fs.
Identifiers: ClinVar variation 470023 (VCV000470023.10), dbSNP rs1554087023, ClinGen allele CA658655979.
Genomic context (GRCh38, chr5:112,841,420, plus strand): 5'-GCCTAAACCCATACTTCAGAAACAATCCACTTTTCCCCAGTCATCCAAAGACATACCAGA[C>CAA]AGAGGGGCAGCAACTGATGAAAAGTTACAGAATTTTGCTATTGAAAATACTCCGGTTTGC-3'